The following is an entry in ClinVar:

NM_021076.4(NEFH):c.2713A>C (p.Thr905Pro)

Gene: NEFH (neurofilament heavy chain; plus strand). Cytogenetic location: 22q12.2.
Variant type: single nucleotide variant.
Coding change: c.2713A>C on transcript NM_021076.4 (MANE Select); coding-DNA position 2713, A replaced by C.
Protein change: p.Thr905Pro; replaces threonine 905 with proline.
Molecular consequence: missense variant.
Genome position (GRCh38, 1-based): chr22:29,490,353, A>C. VCF-style: chr22-29490353-A-C. GRCh37 (hg19) VCF-style: chr22-29886342-A-C.
Other names: c.2713A>C (NM_021076.3); short protein forms T905P.
Identifiers: ClinVar variation 1356087 (VCV001356087.8), dbSNP rs1394197260, ClinGen allele CA411138446.

ClinVar aggregate classification (germline): Uncertain significance. Review status: criteria provided, multiple submitters, no conflicts (2 of 4 stars). 2 submissions from 2 submitters: Uncertain significance (2). Last evaluated 2023-10-10.

Conditions:
NEFH-related disorder. Also called: NEFH-related condition.

Allele frequency attached by ClinVar (database versions not stated): gnomAD exomes below 0.00001; gnomAD 0.00001; TOPMed 0.00002.
gnomAD v4.1: 3 of 1,612,490 alleles (0.00019%); highest among the groups gnomAD compares: African/African-American, 0.0027%; no homozygotes.

Submissions (2):

Labcorp Genetics (formerly Invitae), Labcorp
Classification: Uncertain significance. Last evaluated: 2023-10-10. Review status: criteria provided, single submitter. Criteria: Invitae Variant Classification Sherloc (09022015). Collection method: clinical testing. Allele origin: germline.
Comment: This sequence change replaces threonine, which is neutral and polar, with proline, which is neutral and non-polar, at codon 905 of the NEFH protein (p.Thr905Pro). This variant is not present in population databases (gnomAD no frequency). This variant has not been reported in the literature in individuals affected with NEFH-related conditions. ClinVar contains an entry for this variant (Variation ID: 1356087). Advanced modeling of protein sequence and biophysical properties (such as structural, functional, and spatial information, amino acid conservation, physicochemical variation, residue mobility, and thermodynamic stability) performed at Invitae indicates that this missense variant is not expected to disrupt NEFH protein function. In summary, the available evidence is currently insufficient to determine the role of this variant in disease. Therefore, it has been classified as a Variant of Uncertain Significance.

PreventionGenetics, part of Exact Sciences
Classification: Uncertain significance for NEFH-related condition. Last evaluated: 2023-07-05. Review status: criteria provided, single submitter. Criteria: ACMG Guidelines, 2015. Collection method: clinical testing. Allele origin: germline.
Comment: The NEFH c.2713A>C variant is predicted to result in the amino acid substitution p.Thr905Pro. To our knowledge, this variant has not been reported in the literature or in a large population database, indicating this variant is rare. At this time, the clinical significance of this variant is uncertain due to the absence of conclusive functional and genetic evidence.